The following is an entry in ClinVar:

NM_198525.3(KIF7):c.1481A>G (p.Asn494Ser)

Gene: KIF7 (kinesin family member 7; minus strand). Cytogenetic location: 15q26.1.
Variant type: single nucleotide variant.
Coding change: c.1481A>G on transcript NM_198525.3 (MANE Select); coding-DNA position 1481, A replaced by G.
Protein change: p.Asn494Ser; replaces asparagine 494 with serine.
Molecular consequence: missense variant.
Genome position (GRCh38, 1-based): chr15:89,647,675, T>C on the plus strand (A>G on the coding strand, the complement: KIF7 is on the minus strand). VCF-style: chr15-89647675-T-C. GRCh37 (hg19) VCF-style: chr15-90190906-T-C.
Other names: short protein forms N494S.
Identifiers: ClinVar variation 2051234 (VCV002051234.4), dbSNP rs1313323843, ClinGen allele CA393768752.

ClinVar aggregate classification (germline): Uncertain significance (1 of 4 stars; one submission).

Conditions:
Acrocallosal syndrome (ACLS). Also called: HALLUX DUPLICATION, POSTAXIAL POLYDACTYLY, AND ABSENCE OF CORPUS CALLOSUM; Schinzel syndrome 1; Absence of corpus callosum with unusual facial appearance, mental deficiency, duplication of the halluces and polydactyly. Identifiers: Orphanet 36, MedGen C0796147, MONDO:0008708, OMIM 200990.

Allele frequency attached by ClinVar (database versions not stated): gnomAD exomes below 0.00001; TOPMed 0.00001.
gnomAD v4.1: 3 of 1,606,358 alleles (0.00019%); highest among the groups gnomAD compares: Non-Finnish European, 0.00017%; no homozygotes.

Submission:

Labcorp Genetics (formerly Invitae), Labcorp
Classification: Uncertain significance for Acrocallosal syndrome. Last evaluated: 2022-11-22. Review status: criteria provided, single submitter. Criteria: Invitae Variant Classification Sherloc (09022015). Collection method: clinical testing. Allele origin: germline.
Comment: In summary, the available evidence is currently insufficient to determine the role of this variant in disease. Therefore, it has been classified as a Variant of Uncertain Significance. Advanced modeling of protein sequence and biophysical properties (such as structural, functional, and spatial information, amino acid conservation, physicochemical variation, residue mobility, and thermodynamic stability) performed at Invitae indicates that this missense variant is not expected to disrupt KIF7 protein function. This variant has not been reported in the literature in individuals affected with KIF7-related conditions. This variant is not present in population databases (gnomAD no frequency). This sequence change replaces asparagine, which is neutral and polar, with serine, which is neutral and polar, at codon 494 of the KIF7 protein (p.Asn494Ser).